The following is an entry in ClinVar:

ClinVar aggregate classification (germline): Uncertain significance (1 of 4 stars; one submission).

Conditions:
ADCY3-related disorder. Also called: ADCY3-related condition.

gnomAD v4.1: 5 of 1,614,088 alleles (0.00031%); highest among the groups gnomAD compares: African/African-American, 0.0013%; no homozygotes.

Submission:

PreventionGenetics, part of Exact Sciences
Classification: Uncertain significance for ADCY3-related condition. Last evaluated: 2025-12-18. Review status: criteria provided, single submitter. Criteria: ACMG Guidelines, 2015. Collection method: clinical testing. Allele origin: germline.
Comment: The ADCY3 c.2371A>G variant is predicted to result in the amino acid substitution p.Asn791Asp. To our knowledge, this variant has not been reported in the literature or in a large population database (gnomAD), indicating this variant is rare. At this time, the clinical significance of this variant is uncertain due to the absence of conclusive functional and genetic evidence.

NM_004036.5(ADCY3):c.2371A>G (p.Asn791Asp)

Gene: ADCY3 (adenylate cyclase 3; minus strand). Cytogenetic location: 2p23.3.
Variant type: single nucleotide variant.
Coding change: c.2371A>G on transcript NM_004036.5 (MANE Select); coding-DNA position 2371, A replaced by G.
Protein change: p.Asn791Asp; replaces asparagine 791 with aspartic acid.
Molecular consequence: missense variant. On other transcripts: intron variant (1).
Genome position (GRCh38, 1-based): chr2:24,827,963, T>C on the plus strand (A>G on the coding strand, the complement: ADCY3 is on the minus strand). VCF-style: chr2-24827963-T-C. GRCh37 (hg19) VCF-style: chr2-25050832-T-C.
Other names: c.2371A>G, p.Asn791Asp (NM_001320613.2, NM_001377132.1); c.2437A>G, p.Asn813Asp (NM_001377128.1); c.2233A>G, p.Asn745Asp (NM_001377129.1); c.1648A>G, p.Asn550Asp (NM_001377131.1); c.2172+2746A>G (NM_001377130.1); short protein forms N550D, N813D, N791D, N745D.
Identifiers: ClinVar variation 4988701 (VCV004988701.1).